The following is an entry in ClinVar:

ClinVar aggregate classification (germline): Likely pathogenic (1 of 4 stars; one submission).

Conditions:
Primary ciliary dyskinesia. Also called: Ciliary dyskinesia. Identifiers: Orphanet 244, MedGen C0008780, MONDO:0016575, HP:0012265.

Allele frequency attached by ClinVar (database versions not stated): gnomAD exomes below 0.00001.
gnomAD v4.1: 1 of 1,613,412 alleles (0.000062%); highest among the groups gnomAD compares: Non-Finnish European, 0.000085%; no homozygotes.

Submission:

Labcorp Genetics (formerly Invitae), Labcorp
Classification: Likely pathogenic for Primary ciliary dyskinesia. Last evaluated: 2020-11-28. Review status: criteria provided, single submitter. Criteria: Invitae Variant Classification Sherloc (09022015). Collection method: clinical testing. Allele origin: germline.
Comment: This variant has not been reported in the literature in individuals with DNAH11-related conditions. In summary, the currently available evidence indicates that the variant is pathogenic, but additional data are needed to prove that conclusively. Therefore, this variant has been classified as Likely Pathogenic. Algorithms developed to predict the effect of sequence changes on RNA splicing suggest that this variant may disrupt the consensus splice site, but this prediction has not been confirmed by published transcriptional studies. This variant is not present in population databases (ExAC no frequency). This sequence change affects an acceptor splice site in intron 30 of the DNAH11 gene. It is expected to disrupt RNA splicing. Variants that disrupt the donor or acceptor splice site typically lead to a loss of protein function (PMID: 16199547), and loss-of-function variants in DNAH11 are known to be pathogenic (PMID: 18022865, 20513915, 22184204).

Literature cited by the submitters: PubMed 16199547; PubMed 18022865; PubMed 20513915; PubMed 22184204.

NM_001277115.2(DNAH11):c.5329-2A>G

Gene: DNAH11 (dynein axonemal heavy chain 11; plus strand). Cytogenetic location: 7p15.3.
Variant type: single nucleotide variant.
Coding change: c.5329-2A>G on transcript NM_001277115.2 (MANE Select); the canonical splice acceptor site of the intron before coding-DNA position 5329, A replaced by G.
Molecular consequence: splice acceptor variant.
Genome position (GRCh38, 1-based): chr7:21,681,544, A>G. VCF-style: chr7-21681544-A-G. GRCh37 (hg19) VCF-style: chr7-21721162-A-G.
Identifiers: ClinVar variation 1521998 (VCV001521998.8), dbSNP rs932177093, ClinGen allele CA155110337.